The following is an entry in ClinVar:

NM_001256012.3(MYH10):c.4170G>A (p.Arg1390=)

Gene: MYH10 (myosin heavy chain 10; minus strand). Cytogenetic location: 17p13.1.
Variant type: single nucleotide variant.
Coding change: c.4170G>A on transcript NM_001256012.3 (MANE Select); coding-DNA position 4170, G replaced by A.
Protein change: p.Arg1390=; no amino-acid change (arginine 1390 retained).
Molecular consequence: synonymous variant.
Genome position (GRCh38, 1-based): chr17:8,493,772, C>T on the plus strand (G>A on the coding strand, the complement: MYH10 is on the minus strand). VCF-style: chr17-8493772-C-T. GRCh37 (hg19) VCF-style: chr17-8397090-C-T.
Other names: c.4104G>A, p.Arg1368= (NM_001256095.2); c.4107G>A, p.Arg1369= (NM_001375266.1); c.4077G>A, p.Arg1359= (NM_005964.5).
Identifiers: ClinVar variation 3061570 (VCV003061570.2), dbSNP rs2544239164, ClinGen allele CA497792391.

ClinVar aggregate classification (germline): Likely benign (0 of 4 stars; one submission).

Conditions:
MYH10-related disorder. Also called: MYH10-related condition.

Submission:

PreventionGenetics, part of Exact Sciences
Classification: Likely benign for MYH10-related condition. Last evaluated: 2021-07-27. Review status: no assertion criteria provided. Collection method: clinical testing. Allele origin: germline.
Comment: This variant is classified as likely benign based on ACMG/AMP sequence variant interpretation guidelines (Richards et al. 2015 PMID: 25741868, with internal and published modifications).